The following is an entry in ClinVar:

ClinVar aggregate classification (germline): Uncertain significance (1 of 4 stars; one submission).

Conditions:
Hereditary cancer-predisposing syndrome. Also called: Hereditary Cancer Syndrome; Tumor predisposition; Hereditary neoplastic syndrome; Neoplastic Syndromes, Hereditary. Identifiers: Orphanet 140162, MedGen C0027672, MeSH D009386, MONDO:0015356.

Submission:

Ambry Genetics
Classification: Uncertain significance for Hereditary cancer-predisposing syndrome. Last evaluated: 2024-10-28. Review status: criteria provided, single submitter. Criteria: Ambry Variant Classification Scheme 2023. Collection method: clinical testing. Allele origin: germline.
Comment: The p.P923L variant (also known as c.2768C>T), located in coding exon 20 of the MSH3 gene, results from a C to T substitution at nucleotide position 2768. The proline at codon 923 is replaced by leucine, an amino acid with similar properties. This amino acid position is conserved. In addition, this alteration is predicted to be deleterious by in silico analysis. Based on the available evidence, the clinical significance of this variant remains unclear.

NM_002439.5(MSH3):c.2768C>T (p.Pro923Leu)

Gene: MSH3 (mutS homolog 3; plus strand). Cytogenetic location: 5q14.1.
Variant type: single nucleotide variant.
Coding change: c.2768C>T on transcript NM_002439.5 (MANE Select); coding-DNA position 2768, C replaced by T.
Protein change: p.Pro923Leu; replaces proline 923 with leucine.
Molecular consequence: missense variant.
Genome position (GRCh38, 1-based): chr5:80,813,696, C>T. VCF-style: chr5-80813696-C-T. GRCh37 (hg19) VCF-style: chr5-80109515-C-T.
Other names: short protein forms P923L.
Identifiers: ClinVar variation 3398753 (VCV003398753.1).